The following is an entry in ClinVar:

NM_003307.4(TRPM2):c.3053C>T (p.Pro1018Leu)

Gene: TRPM2 (transient receptor potential cation channel subfamily M member 2; plus strand). Cytogenetic location: 21q22.3.
Variant type: single nucleotide variant.
Coding change: c.3053C>T on transcript NM_003307.4 (MANE Select); coding-DNA position 3053, C replaced by T.
Protein change: p.Pro1018Leu; replaces proline 1018 with leucine.
Molecular consequence: missense variant. On other transcripts: non-coding transcript variant (1).
Genome position (GRCh38, 1-based): chr21:44,413,981, C>T. VCF-style: chr21-44413981-C-T. GRCh37 (hg19) VCF-style: chr21-45833864-C-T.
Other names: c.3053C>T, p.Pro1018Leu (NM_001320350.2, NM_001320351.2); short protein forms P1018L.
Identifiers: ClinVar variation 2652752 (VCV002652752.24), dbSNP rs145947009, ClinGen allele CA10055256.

ClinVar aggregate classification (germline): Likely benign (1 of 4 stars; one submission).

Allele frequency attached by ClinVar (database versions not stated): ESP Exome Variant Server 0.00015; gnomAD 0.00092; TOPMed 0.00101; ExAC 0.00170; 1000 Genomes Project 30x 0.00656; 1000 Genomes Project 0.00699.
gnomAD v4.1: 797 of 1,613,950 alleles (0.049%); highest among the groups gnomAD compares: East Asian, 1.3%; 15 homozygotes.

Submission:

CeGaT Center for Human Genetics Tuebingen
Classification: Likely benign. Last evaluated: 2025-02-01. Review status: criteria provided, single submitter. Criteria: CeGaT Center For Human Genetics Tuebingen Variant Classification Criteria Version 2. Collection method: clinical testing. Allele origin: germline. Affected: yes. Observed: 2 variant alleles.
Comment: TRPM2: BP4, BS1